The following is an entry in ClinVar:

NM_003361.4(UMOD):c.313G>T (p.Gly105Cys)

Gene: UMOD (uromodulin; minus strand). Cytogenetic location: 16p12.3.
Variant type: single nucleotide variant.
Coding change: c.313G>T on transcript NM_003361.4 (MANE Select); coding-DNA position 313, G replaced by T.
Protein change: p.Gly105Cys; replaces glycine 105 with cysteine.
Molecular consequence: missense variant. On other transcripts: non-coding transcript variant (1).
Genome position (GRCh38, 1-based): chr16:20,348,988, C>A on the plus strand (G>T on the coding strand, the complement: UMOD is on the minus strand). VCF-style: chr16-20348988-C-A. GRCh37 (hg19) VCF-style: chr16-20360310-C-A.
Other names: c.313G>T, p.Gly105Cys (NM_001008389.3, NM_001378232.1, NM_001378233.1 and 3 more transcripts); c.412G>T, p.Gly138Cys (NM_001278614.2); short protein forms G105C, G138C.
Identifiers: ClinVar variation 1687604 (VCV001687604.2), dbSNP rs747592262, ClinGen allele CA394986631.

ClinVar aggregate classification (germline): Likely pathogenic (1 of 4 stars; one submission).

Conditions:
Familial juvenile hyperuricemic nephropathy type 1 (ADTKD1). Also called: Uromodulin-associated kidney disease; Autosomal Dominant Tubulointerstitial Kidney Disease – UMOD; UMOD-Associated Kidney Disease; Glomerulocystic kidney disease with hyperuricemia and isosthenuria; Medullary cystic kidney disease 2. Identifiers: Orphanet 209886, Orphanet 34149, Orphanet 88950, MedGen C4551496, MONDO:0008073, OMIM 162000.

Submission:

3billion
Classification: Likely pathogenic for Familial juvenile hyperuricemic nephropathy type 1. Last evaluated: 2022-05-22. Review status: criteria provided, single submitter. Criteria: ACMG Guidelines, 2015. Collection method: clinical testing. Allele origin: germline. Affected: yes. Observed: 1 heterozygote.
Comment: The variant is not observed in the gnomAD v2.1.1 dataset. The variant is located in a mutational hot spot and/or well-established functional domain in which established pathogenic variants have been reported. Missense changes are a common disease-causing mechanism. Same nucleotide change resulting in same amino acid change has been previously reported to be associated with UMOD related disorder (PMID: 32954071). However, the evidence of pathogenicity is insufficient at this time. Therefore, this variant is classified as likely pathogenic according to the recommendation of ACMG/AMP guideline.

Literature cited by the submitters: PubMed 32954071.